The following is an entry in ClinVar:

NM_213599.3(ANO5):c.*948C>T

Gene: ANO5 (anoctamin 5; plus strand). Cytogenetic location: 11p14.3.
Variant type: single nucleotide variant.
Coding change: c.*948C>T on transcript NM_213599.3 (MANE Select); 948 bases downstream of the stop codon, C replaced by T.
Molecular consequence: 3 prime UTR variant.
Genome position (GRCh38, 1-based): chr11:22,280,713, C>T. VCF-style: chr11-22280713-C-T. GRCh37 (hg19) VCF-style: chr11-22302259-C-T.
Other names: c.*948C>T (NM_001142649.2).
Identifiers: ClinVar variation 880518 (VCV000880518.5), dbSNP rs189525296, ClinGen allele CA218780154.

ClinVar aggregate classification (germline): Likely benign. Review status: criteria provided, multiple submitters, no conflicts (2 of 4 stars). 2 submissions from 2 submitters: Likely benign (2). Last evaluated 2021-05-20.

Conditions:
ANO5-Related Muscle Diseases. Identifiers: MedGen CN180644.

Allele frequency attached by ClinVar (database versions not stated): gnomAD 0.00412 and 0.00434; 1000 Genomes Project 0.00419; 1000 Genomes Project 30x 0.00422; TOPMed 0.00505.

Submissions (2):

GeneDx
Classification: Likely benign. Last evaluated: 2021-05-20. Review status: criteria provided, single submitter. Criteria: GeneDx Variant Classification Process June 2021. Collection method: clinical testing. Allele origin: germline. Affected: yes.

Illumina Laboratory Services, Illumina
Classification: Likely benign for ANO5-Related Muscle Diseases. Last evaluated: 2018-01-13. Review status: criteria provided, single submitter. Criteria: ICSL Variant Classification Criteria 13 December 2019. Collection method: clinical testing. Allele origin: germline.
Comment: This variant was observed in the ICSL laboratory as part of a predisposition screen in an ostensibly healthy population. It had not been previously curated by ICSL or reported in the Human Gene Mutation Database (HGMD: prior to June 1st, 2018), and was therefore a candidate for classification through an automated scoring system. Utilizing variant allele frequency, disease prevalence and penetrance estimates, and inheritance mode, an automated score was calculated to assess if this variant is too frequent to cause the disease. Based on the score and internal cut-off values, a variant classified as likely benign is not then subjected to further curation. The score for this variant resulted in a classification of likely benign for this disease.